The following is an entry in ClinVar:

NM_021620.4(PRDM13):c.398-12T>G

Gene: PRDM13 (PR/SET domain 13; plus strand). Cytogenetic location: 6q16.2.
Variant type: single nucleotide variant.
Coding change: c.398-12T>G on transcript NM_021620.4 (MANE Select); 12 bases into the intron before coding-DNA position 398, T replaced by G.
Molecular consequence: intron variant.
Genome position (GRCh38, 1-based): chr6:99,613,021, T>G. VCF-style: chr6-99613021-T-G. GRCh37 (hg19) VCF-style: chr6-100060897-T-G.
Identifiers: ClinVar variation 2017147 (VCV002017147.4), dbSNP rs2538544189, ClinGen allele CA2580075977.

ClinVar aggregate classification (germline): Uncertain significance (1 of 4 stars; one submission).

Submission:

Labcorp Genetics (formerly Invitae), Labcorp
Classification: Uncertain significance. Last evaluated: 2023-03-10. Review status: criteria provided, single submitter. Criteria: Invitae Variant Classification Sherloc (09022015). Collection method: clinical testing. Allele origin: germline.
Comment: In summary, the available evidence is currently insufficient to determine the role of this variant in disease. Therefore, it has been classified as a Variant of Uncertain Significance. Algorithms developed to predict the effect of sequence changes on RNA splicing suggest that this variant may disrupt the consensus splice site. ClinVar contains an entry for this variant (Variation ID: 2017147). This variant has not been reported in the literature in individuals affected with PRDM13-related conditions. This variant is not present in population databases (gnomAD no frequency). This sequence change falls in intron 3 of the PRDM13 gene. It does not directly change the encoded amino acid sequence of the PRDM13 protein.